The following is an entry in ClinVar:

NM_013275.6(ANKRD11):c.2669G>A (p.Arg890Gln)

Gene: ANKRD11 (ankyrin repeat domain 11; minus strand). Cytogenetic location: 16q24.3.
Variant type: single nucleotide variant.
Coding change: c.2669G>A on transcript NM_013275.6 (MANE Select); coding-DNA position 2669, G replaced by A.
Protein change: p.Arg890Gln; replaces arginine 890 with glutamine.
Molecular consequence: missense variant.
Genome position (GRCh38, 1-based): chr16:89,283,873, C>T on the plus strand (G>A on the coding strand, the complement: ANKRD11 is on the minus strand). VCF-style: chr16-89283873-C-T. GRCh37 (hg19) VCF-style: chr16-89350281-C-T.
Other names: c.2669G>A, p.Arg890Gln (NM_001256182.2, NM_001256183.2); short protein forms R890Q.
Identifiers: ClinVar variation 4711637 (VCV004711637.1).

ClinVar aggregate classification (germline): Uncertain significance (1 of 4 stars; one submission).

Conditions:
KBG syndrome (KBGS). Also called: ANKRD11-Related KBG Syndrome. Identifiers: Orphanet 2332, MedGen C0220687, MONDO:0007846, OMIM 148050.

gnomAD v4.1: 39 of 1,614,024 alleles (0.0024%); highest among the groups gnomAD compares: Middle Eastern, 0.033%; no homozygotes.

Submission:

Labcorp Genetics (formerly Invitae), Labcorp
Classification: Uncertain significance for KBG syndrome. Last evaluated: 2026-01-08. Review status: criteria provided, single submitter. Criteria: Invitae Variant Classification Sherloc (09022015). Collection method: clinical testing. Allele origin: germline.
Comment: This sequence change replaces arginine, which is basic and polar, with glutamine, which is neutral and polar, at codon 890 of the ANKRD11 protein (p.Arg890Gln). This variant is present in population databases (rs200971432, gnomAD 0.02%). This variant has not been reported in the literature in individuals affected with ANKRD11-related conditions. Invitae Evidence Modeling of protein sequence and biophysical properties (such as structural, functional, and spatial information, amino acid conservation, physicochemical variation, residue mobility, and thermodynamic stability) indicates that this missense variant is not expected to disrupt ANKRD11 protein function with a negative predictive value of 95%. In summary, the available evidence is currently insufficient to determine the role of this variant in disease. Therefore, it has been classified as a Variant of Uncertain Significance.